The following is an entry in ClinVar:

NC_012920.1(MT-CO1):m.7129A>G

Gene: MT-CO1 (mitochondrially encoded cytochrome c oxidase I; plus strand).
Variant type: single nucleotide variant.
Genome position: chrM-7129-A-G.
Identifiers: ClinVar variation 692702 (VCV000692702.1), dbSNP rs1603220788, ClinGen allele CA414791420.

ClinVar aggregate classification (germline): Likely benign (1 of 4 stars; one submission).

Conditions:
Leigh syndrome (NULS). Also called: Leigh's necrotizing encephalopathy; Leigh's disease; Leigh Syndrome (mtDNA deletion); Leigh Disease; Subacute necrotizing encephalopathy; Necrotizing encephalopathy infantile subacute of Leigh. Identifiers: Orphanet 506, MedGen C2931891, MONDO:0009723, OMIM 256000.

Submission:

Wong Mito Lab, Molecular and Human Genetics, Baylor College of Medicine
Classification: Likely benign for Leigh syndrome. Last evaluated: 2019-10-17. Review status: criteria provided, single submitter. Criteria: Modified ACMG Guidelines (Unpublished). Collection method: clinical testing. Allele origin: germline.
Comment: The NC_012920.1:m.7129A>G (YP_003024028.1:p.Tyr409Cys) variant in MTCO1 gene is interpretated to be a Likely Benign variant based on the modified ACMG guidelines (unpublished). This variant meets the following evidence codes: BS1, BP6